The following is an entry in ClinVar:

ClinVar aggregate classification (germline): Likely benign. Review status: criteria provided, multiple submitters, no conflicts (2 of 4 stars). 5 submissions from 5 submitters: Likely benign (5). Last evaluated 2026-02-04.

Conditions:
Familial thoracic aortic aneurysm and aortic dissection (TAAD). Also called: Thoracic aortic aneurysms and dissections. Identifiers: Orphanet 91387, MedGen C4707243, MONDO:0019625.
Aortic aneurysm, familial thoracic 4 (AAT4). Also called: AORTIC ANEURYSM/AORTIC DISSECTION AND PATENT DUCTUS ARTERIOSUS. Identifiers: MedGen C1851504, MONDO:0007568, OMIM 132900.

Allele frequency attached by ClinVar (database versions not stated): gnomAD 0.00001; gnomAD exomes 0.00001 and 0.00004; TOPMed 0.00002; ExAC 0.00003.
gnomAD v4.1: 23 of 1,614,184 alleles (0.0014%); highest among the groups gnomAD compares: South Asian, 0.0088%; no homozygotes.

Submissions (5):

Labcorp Genetics (formerly Invitae), Labcorp
Classification: Likely benign for Aortic aneurysm, familial thoracic 4. Last evaluated: 2026-02-04. Review status: criteria provided, single submitter. Criteria: Invitae Variant Classification Sherloc (09022015). Collection method: clinical testing. Allele origin: germline.

Ambry Genetics
Classification: Likely benign for Familial thoracic aortic aneurysm and aortic dissection. Last evaluated: 2024-06-30. Review status: criteria provided, single submitter. Criteria: Ambry Variant Classification Scheme 2023. Collection method: clinical testing. Allele origin: germline.

All of Us Research Program, National Institutes of Health
Classification: Likely benign for Familial thoracic aortic aneurysm and aortic dissection. Last evaluated: 2023-11-30. Review status: criteria provided, single submitter. Criteria: ACMG Guidelines, 2015. Collection method: clinical testing. Allele origin: germline. Inheritance: Autosomal dominant inheritance. Observed: 4 variant alleles, 4 heterozygotes.
Comment: This study involves interpretation of variants in research participants for the purpose of population health screening. Participant phenotype was not available at the time of variant classification. Additional details can be found in publication PMID: 35346344, PMCID: PMC8962531

Color Diagnostics, LLC DBA Color Health
Classification: Likely benign for Familial thoracic aortic aneurysm and aortic dissection. Last evaluated: 2020-06-29. Review status: criteria provided, single submitter. Criteria: ACMG Guidelines, 2015. Collection method: clinical testing. Allele origin: germline.

GeneDx
Classification: Likely benign. Last evaluated: 2015-10-07. Review status: criteria provided, single submitter. Criteria: GeneDx Variant Classification (06012015). Collection method: clinical testing. Allele origin: germline. Affected: yes.
Comment: This variant is considered likely benign or benign based on one or more of the following criteria: it is a conservative change, it occurs at a poorly conserved position in the protein, it is predicted to be benign by multiple in silico algorithms, and/or has population frequency not consistent with disease.

NM_002474.3(MYH11):c.1566C>T (p.Ile522=)

Gene: MYH11 (myosin heavy chain 11; minus strand). Cytogenetic location: 16p13.11.
Variant type: single nucleotide variant.
Coding change: c.1566C>T on transcript NM_002474.3 (MANE Select); coding-DNA position 1566, C replaced by T.
Protein change: p.Ile522=; no amino-acid change (isoleucine 522 retained).
Molecular consequence: synonymous variant.
Genome position (GRCh38, 1-based): chr16:15,757,836, G>A on the plus strand (C>T on the coding strand, the complement: MYH11 is on the minus strand). VCF-style: chr16-15757836-G-A. GRCh37 (hg19) VCF-style: chr16-15851693-G-A.
Other names: c.1587C>T, p.Ile529= (NM_001040113.2, NM_001040114.2); c.1566C>T, p.Ile522= (NM_022844.3).
Identifiers: ClinVar variation 381000 (VCV000381000.13), dbSNP rs541905355, ClinGen allele CA7922590.